The following is an entry in ClinVar:

NM_000094.4(COL7A1):c.7235G>T (p.Arg2412Leu)

Gene: COL7A1 (collagen type VII alpha 1 chain; minus strand). Cytogenetic location: 3p21.31.
Variant type: single nucleotide variant.
Coding change: c.7235G>T on transcript NM_000094.4 (MANE Select); coding-DNA position 7235, G replaced by T.
Protein change: p.Arg2412Leu; replaces arginine 2412 with leucine.
Molecular consequence: missense variant.
Genome position (GRCh38, 1-based): chr3:48,570,898, C>A on the plus strand (G>T on the coding strand, the complement: COL7A1 is on the minus strand). VCF-style: chr3-48570898-C-A. GRCh37 (hg19) VCF-style: chr3-48608331-C-A.
Other names: short protein forms R2412L.
Identifiers: ClinVar variation 1368678 (VCV001368678.8), dbSNP rs907836697, ClinGen allele CA73975251.

ClinVar aggregate classification (germline): Uncertain significance (1 of 4 stars; one submission).

Submission:

Labcorp Genetics (formerly Invitae), Labcorp
Classification: Uncertain significance. Last evaluated: 2022-08-23. Review status: criteria provided, single submitter. Criteria: Invitae Variant Classification Sherloc (09022015). Collection method: clinical testing. Allele origin: germline.
Comment: Advanced modeling of protein sequence and biophysical properties (such as structural, functional, and spatial information, amino acid conservation, physicochemical variation, residue mobility, and thermodynamic stability) performed at Invitae indicates that this missense variant is expected to disrupt COL7A1 protein function. In summary, the available evidence is currently insufficient to determine the role of this variant in disease. Therefore, it has been classified as a Variant of Uncertain Significance. Algorithms developed to predict the effect of sequence changes on RNA splicing suggest that this variant may disrupt the consensus splice site. ClinVar contains an entry for this variant (Variation ID: 1368678). This variant has not been reported in the literature in individuals affected with COL7A1-related conditions. This variant is not present in population databases (gnomAD no frequency). This sequence change replaces arginine, which is basic and polar, with leucine, which is neutral and non-polar, at codon 2412 of the COL7A1 protein (p.Arg2412Leu).